The following is an entry in ClinVar:

ClinVar aggregate classification (germline): Pathogenic (1 of 4 stars; one submission).

Conditions:
Meier-Gorlin syndrome (MGORS1). Identifiers: Orphanet 2554, MedGen C1868684, MONDO:0016817. Disease mechanism: gain of function.

gnomAD v4.1: 10 of 1,585,912 alleles (0.00063%); highest among the groups gnomAD compares: Admixed American, 0.0034%; no homozygotes.

Submission:

Bicknell laboratory, University of Otago
Classification: Pathogenic for Meier-Gorlin syndrome. Review status: criteria provided, single submitter. Criteria: ACMG Guidelines, 2015. Collection method: research. Allele origin: inherited. Affected: yes.
Comment: Occurred as compound het with c.776G>C

Literature cited by the submitters: PubMed 33654309.

NM_005916.5(MCM7):c.1579C>T (p.Arg527Ter)

Gene: MCM7 (minichromosome maintenance complex component 7; minus strand). Cytogenetic location: 7q22.1.
Variant type: single nucleotide variant.
Coding change: c.1579C>T on transcript NM_005916.5 (MANE Select); coding-DNA position 1579, C replaced by T.
Protein change: p.Arg527Ter; replaces arginine 527 with a stop codon.
Molecular consequence: nonsense.
Genome position (GRCh38, 1-based): chr7:100,095,790, G>A on the plus strand (C>T on the coding strand, the complement: MCM7 is on the minus strand). VCF-style: chr7-100095790-G-A. GRCh37 (hg19) VCF-style: chr7-99693413-G-A.
Other names: c.1051C>T, p.Arg351Ter (NM_001278595.2, NM_182776.3); short protein forms R351*, R527*.
Identifiers: ClinVar variation 1173070 (VCV001173070.2), dbSNP rs76705400, ClinGen allele CA4373618.